The following is an entry in ClinVar:

NM_002641.4(PIGA):c.643T>G (p.Phe215Val)

Gene: PIGA (phosphatidylinositol glycan anchor biosynthesis class A; minus strand). Cytogenetic location: Xp22.2.
Variant type: single nucleotide variant.
Coding change: c.643T>G on transcript NM_002641.4 (MANE Select); coding-DNA position 643, T replaced by G.
Protein change: p.Phe215Val; replaces phenylalanine 215 with valine.
Molecular consequence: missense variant. On other transcripts: intron variant (2).
Genome position (GRCh38, 1-based): chrX:15,331,288, A>C on the plus strand (T>G on the coding strand, the complement: PIGA is on the minus strand). VCF-style: chrX-15331288-A-C. GRCh37 (hg19) VCF-style: chrX-15349410-A-C.
Other names: c.643T>G, p.Phe215Val (NM_001440789.1); c.13+4213T>G (NM_020473.3); c.14-2975T>G (NM_001440790.1); short protein forms F215V.
Identifiers: ClinVar variation 4882394 (VCV004882394.2).

ClinVar aggregate classification (germline): Uncertain significance (1 of 4 stars; one submission).

Submission:

Dasa
Classification: Uncertain significance. Last evaluated: 2024-12-02. Review status: criteria provided, single submitter. Criteria: DASA Assertion Criteria. Collection method: clinical testing. Allele origin: germline.
Comment: NM_002641.4(PIGA):c.643T>G (p.Phe215Val) is a missense variant that results in the substitution of phenylalanine with valine. This variant is absent from population databases. Computational prediction algorithms are consistent with a deleterious effect. The currently available literature and clinical evidence are not sufficient to establish a definitive association between this variant and the reported condition. Therefore, this variant is classified as a variant of uncertain significance.